The following is an entry in ClinVar:

NM_012199.5(AGO1):c.746C>T (p.Thr249Met)

Gene: AGO1 (argonaute RISC component 1; plus strand). Cytogenetic location: 1p34.3.
Variant type: single nucleotide variant.
Coding change: c.746C>T on transcript NM_012199.5 (MANE Select); coding-DNA position 746, C replaced by T.
Protein change: p.Thr249Met; replaces threonine 249 with methionine.
Molecular consequence: missense variant.
Genome position (GRCh38, 1-based): chr1:35,894,133, C>T. VCF-style: chr1-35894133-C-T. GRCh37 (hg19) VCF-style: chr1-36359734-C-T.
Other names: c.746C>T, p.Thr249Met (NM_001317122.2); c.521C>T, p.Thr174Met (NM_001317123.2); short protein forms T249M, T174M.
Identifiers: ClinVar variation 3096204 (VCV003096204.3), dbSNP rs1470621142, ClinGen allele CA339368537.
Genomic context (GRCh38, chr1:35,894,133, plus strand): 5'-TTGAGTTCATGTGTGAGGTGCTGGACATCAGGAACATAGATGAGCAGCCCAAGCCCCTCA[C>T]GGACTCTCAGCGCGTTCGCTTCACCAAGGAGATCAAGGGTGAGGACCCAACAGGAGGGGA-3'
Protein context (NP_036331.1, residues 239-259): RNIDEQPKPL[Thr249Met]DSQRVRFTKE

ClinVar aggregate classification (germline): Uncertain significance. Review status: criteria provided, multiple submitters, no conflicts (2 of 4 stars). 2 submissions from 2 submitters: Uncertain significance (2). Last evaluated 2025-12-08.

Conditions:
Inborn genetic diseases. Identifiers: MedGen C0950123, MeSH D030342.

Allele frequency attached by ClinVar (database versions not stated): gnomAD 0.00001; gnomAD exomes below 0.00001; TOPMed 0.00002.
gnomAD v4.1: 9 of 1,585,532 alleles (0.00057%); highest among the groups gnomAD compares: Non-Finnish European, 0.0006%; no homozygotes.

Submissions (2):

Dasa
Classification: Uncertain significance. Last evaluated: 2025-12-08. Review status: criteria provided, single submitter. Criteria: DASA Assertion Criteria. Collection method: clinical testing. Allele origin: germline.
Comment: NM_012199.5(AGO1):c.746C>T (p.Thr249Met) is a missense variant that results in the substitution of threonine with methionine. This variant is rare in population databases. The currently available literature and clinical evidence are not sufficient to establish a definitive association between this variant and the reported condition. Therefore, this variant is classified as a variant of uncertain significance.

Ambry Genetics
Classification: Uncertain significance for Inborn genetic diseases. Last evaluated: 2023-12-08. Review status: criteria provided, single submitter. Criteria: Ambry Variant Classification Scheme 2023. Collection method: clinical testing. Allele origin: germline.